The following is an entry in ClinVar:

NM_000204.5(CFI):c.1739A>G (p.Gln580Arg)

Gene: CFI (complement factor I; minus strand). Cytogenetic location: 4q25.
Variant type: single nucleotide variant.
Coding change: c.1739A>G on transcript NM_000204.5 (MANE Select); coding-DNA position 1739, A replaced by G.
Protein change: p.Gln580Arg; replaces glutamine 580 with arginine.
Molecular consequence: missense variant. On other transcripts: non-coding transcript variant (3), intron variant (5).
Genome position (GRCh38, 1-based): chr4:109,740,906, T>C on the plus strand (A>G on the coding strand, the complement: CFI is on the minus strand). VCF-style: chr4-109740906-T-C. GRCh37 (hg19) VCF-style: chr4-110662062-T-C.
Other names: c.1763A>G, p.Gln588Arg (NM_001318057.2); c.1718A>G, p.Gln573Arg (NM_001331035.2); c.1682A>G, p.Gln561Arg (NM_001375283.1); c.1130A>G, p.Gln377Arg (NM_001375284.1); c.1513+1585A>G (NM_001375282.1, NM_001375280.1); c.1534+1585A>G (NM_001375281.1, NM_001375279.1); c.1558+1585A>G (NM_001375278.1); short protein forms Q377R, Q561R, Q573R, Q580R, Q588R.
Identifiers: ClinVar variation 1716765 (VCV001716765.5), dbSNP rs2545357331, ClinGen allele CA357854079.
Genomic context (GRCh38, chr4:109,740,906, plus strand): 5'-GGAACTCTTGAGAGAAAAAGAATAGAATGAAGAGAGAGATCACAATTTTATACATTGTAC[T>C]GAGAAATAAAAGGCCTTCCTACATGGTAGCTAATCCAGTCAAAATAATTGGCCACTTTGG-3'
Protein context (NP_000195.3, residues 570-583): SYHVGRPFIS[Gln580Arg]YNV

ClinVar aggregate classification (germline): Uncertain significance (1 of 4 stars; one submission).

Allele frequency attached by ClinVar (database versions not stated): gnomAD exomes below 0.00001.
gnomAD v4.1: 1 of 1,613,832 alleles (0.000062%); highest among the groups gnomAD compares: Non-Finnish European, 0.000085%; no homozygotes.

Submission:

Labcorp Genetics (formerly Invitae), Labcorp
Classification: Uncertain significance. Last evaluated: 2022-08-19. Review status: criteria provided, single submitter. Criteria: Invitae Variant Classification Sherloc (09022015). Collection method: clinical testing. Allele origin: germline.
Comment: This sequence change replaces glutamine, which is neutral and polar, with arginine, which is basic and polar, at codon 580 of the CFI protein (p.Gln580Arg). This variant is not present in population databases (gnomAD no frequency). This variant has not been reported in the literature in individuals affected with CFI-related conditions. Advanced modeling of protein sequence and biophysical properties (such as structural, functional, and spatial information, amino acid conservation, physicochemical variation, residue mobility, and thermodynamic stability) performed at Invitae indicates that this missense variant is not expected to disrupt CFI protein function. In summary, the available evidence is currently insufficient to determine the role of this variant in disease. Therefore, it has been classified as a Variant of Uncertain Significance.